The following is an entry in ClinVar:

ClinVar aggregate classification (germline): Likely benign (1 of 4 stars; one submission).

Submission:

Women's Health and Genetics/Laboratory Corporation of America, LabCorp
Classification: Likely benign. Last evaluated: 2026-01-20. Review status: criteria provided, single submitter. Criteria: LabCorp Variant Classification Summary - May 2015. Collection method: clinical testing. Allele origin: germline.
Comment: Variant summary: SLC2A1 c.1278+14delC alters a non-conserved nucleotide located at a position not widely known to affect splicing. Consensus agreement among computation tools predict no significant impact on normal splicing. However, these predictions have yet to be confirmed by functional studies. The variant was absent in 216974 control chromosomes. The available data on variant occurrences in the general population are insufficient to allow any conclusion about variant significance. To our knowledge, no occurrence of c.1278+14delC in individuals affected with SLC2A1-related conditions and no experimental evidence demonstrating its impact on protein function have been reported. No submitters have cited clinical-significance assessments for this variant to ClinVar. Based on the evidence outlined above, the variant was classified as likely benign.

NM_006516.4(SLC2A1):c.1278+14del

Gene: SLC2A1 (solute carrier family 2 member 1; minus strand). Cytogenetic location: 1p34.2.
Variant type: Deletion.
Coding change: c.1278+14del on transcript NM_006516.4 (MANE Select); 14 bases into the intron after coding-DNA position 1278, one base deleted (C; older notation c.1278+14delC).
Molecular consequence: intron variant.
Genome position (GRCh38, 1-based): chr1:42,927,591, G deleted on the plus strand (C on the coding strand, the reverse complement: SLC2A1 is on the minus strand). VCF-style (leftmost placement, unchanged base first): chr1-42927590-AG-A. GRCh37 (hg19) VCF-style: chr1-43393261-AG-A.
Other names: c.1278+14delC (NM_006516.4).
Identifiers: ClinVar variation 4689223 (VCV004689223.1).